The following is an entry in ClinVar:

ClinVar aggregate classification (germline): Uncertain significance (1 of 4 stars; one submission).

Conditions:
Cardiovascular phenotype. Identifiers: MedGen CN230736.

Allele frequency attached by ClinVar (database versions not stated): TOPMed below 0.00001; gnomAD 0.00001.
gnomAD v4.1: 4 of 1,541,990 alleles (0.00026%); highest among the groups gnomAD compares: Non-Finnish European, 0.00035%; no homozygotes.

Submission:

Ambry Genetics
Classification: Uncertain significance for Cardiovascular phenotype. Last evaluated: 2022-11-02. Review status: criteria provided, single submitter. Criteria: Ambry Variant Classification Scheme 2023. Collection method: clinical testing. Allele origin: germline.
Comment: The p.R1148P variant (also known as c.3443G>C), located in coding exon 2 of the ZNF469 gene, results from a G to C substitution at nucleotide position 3443. The arginine at codon 1148 is replaced by proline, an amino acid with dissimilar properties. This amino acid position is conserved. In addition, this alteration is predicted to be tolerated by in silico analysis. Since supporting evidence is limited at this time, the clinical significance of this alteration remains unclear.

NM_001367624.2(ZNF469):c.3527G>C (p.Arg1176Pro)

Gene: ZNF469 (zinc finger protein 469; plus strand). Cytogenetic location: 16q24.2.
Variant type: single nucleotide variant.
Coding change: c.3527G>C on transcript NM_001367624.2 (MANE Select); coding-DNA position 3527, G replaced by C.
Protein change: p.Arg1176Pro; replaces arginine 1176 with proline.
Molecular consequence: missense variant.
Genome position (GRCh38, 1-based): chr16:88,430,997, G>C. VCF-style: chr16-88430997-G-C. GRCh37 (hg19) VCF-style: chr16-88497405-G-C.
Other names: NM_001127464.1:c.3443G>C; short protein forms R1176P.
Identifiers: ClinVar variation 3232794 (VCV003232794.1), dbSNP rs1366406815, ClinGen allele CA397084872.